The following is an entry in ClinVar:

ClinVar aggregate classification (germline): Uncertain significance (1 of 4 stars; one submission).

Conditions:
Hereditary cancer-predisposing syndrome. Also called: Hereditary Cancer Syndrome; Hereditary neoplastic syndrome; Neoplastic Syndromes, Hereditary; Tumor predisposition. Identifiers: Orphanet 140162, MedGen C0027672, MeSH D009386, MONDO:0015356.

Submission:

Ambry Genetics
Classification: Uncertain significance for Hereditary cancer-predisposing syndrome. Last evaluated: 2019-11-03. Review status: criteria provided, single submitter. Criteria: Ambry Variant Classification Scheme 2023. Collection method: clinical testing. Allele origin: germline.
Comment: The p.Y433N variant (also known as c.1297T>A), located in coding exon 4 of the MSH6 gene, results from a T to A substitution at nucleotide position 1297. The tyrosine at codon 433 is replaced by asparagine, an amino acid with dissimilar properties. This amino acid position is highly conserved in available vertebrate species. In addition, this alteration is predicted to be deleterious by in silico analysis. Since supporting evidence is limited at this time, the clinical significance of this alteration remains unclear.

NM_000179.3(MSH6):c.1297T>A (p.Tyr433Asn)

Gene: MSH6 (mutS homolog 6; plus strand). Cytogenetic location: 2p16.3.
Variant type: single nucleotide variant.
Coding change: c.1297T>A on transcript NM_000179.3 (MANE Select); coding-DNA position 1297, T replaced by A.
Protein change: p.Tyr433Asn; replaces tyrosine 433 with asparagine.
Molecular consequence: missense variant.
Genome position (GRCh38, 1-based): chr2:47,799,280, T>A. VCF-style: chr2-47799280-T-A. GRCh37 (hg19) VCF-style: chr2-48026419-T-A.
Other names: c.391T>A, p.Tyr131Asn (NM_001406823.1, NM_001406829.1, NM_001281493.2 and 6 more transcripts); c.1000T>A, p.Tyr334Asn (NM_001406824.1, NM_001406825.1, NM_001406827.1 and 10 more transcripts); c.1129T>A, p.Tyr377Asn (NM_001406826.1); c.907T>A, p.Tyr303Asn (NM_001281492.2); c.1393T>A, p.Tyr465Asn (NM_001406795.1, NM_001406802.1); c.1297T>A, p.Tyr433Asn (NM_001406796.1, NM_001406798.1, NM_001406800.1 and 4 more transcripts); c.772T>A, p.Tyr258Asn (NM_001406799.1, NM_001406806.1, NM_001406807.1); c.1219T>A, p.Tyr407Asn (NM_001406804.1); and 1 more; short protein forms Y258N, Y334N, Y131N, Y303N, Y377N, Y433N, Y435N, Y465N.
Identifiers: ClinVar variation 1769250 (VCV001769250.2), dbSNP rs2104334418, ClinGen allele CA346744243.
Genomic context (GRCh38, chr2:47,799,280, plus strand): 5'-TGGTGGCAGATTAAGTCTCAGAACTTTGATCTTGTCATCTGTTACAAGGTGGGGAAATTT[T>A]ATGAGCTGTACCACATGGATGCTCTTATTGGAGTCAGTGAACTGGGGCTGGTATTCATGA-3'
Protein context (NP_000170.1, residues 423-443): LVICYKVGKF[Tyr433Asn]ELYHMDALIG